The following is an entry in ClinVar:

NM_005787.6(ALG3):c.977G>A (p.Arg326Lys)

Gene: ALG3 (ALG3 alpha-1,3- mannosyltransferase; minus strand). Cytogenetic location: 3q27.1.
Variant type: single nucleotide variant.
Coding change: c.977G>A on transcript NM_005787.6 (MANE Select); coding-DNA position 977, G replaced by A.
Protein change: p.Arg326Lys; replaces arginine 326 with lysine.
Molecular consequence: missense variant. On other transcripts: non-coding transcript variant (2).
Genome position (GRCh38, 1-based): chr3:184,243,586, C>T on the plus strand (G>A on the coding strand, the complement: ALG3 is on the minus strand). VCF-style: chr3-184243586-C-T. GRCh37 (hg19) VCF-style: chr3-183961374-C-T.
Other names: c.833G>A, p.Arg278Lys (NM_001006941.2); short protein forms R278K, R326K.
Identifiers: ClinVar variation 1486904 (VCV001486904.8), dbSNP rs1718953951, ClinGen allele CA355418261.

ClinVar aggregate classification (germline): Uncertain significance (1 of 4 stars; one submission).

Conditions:
ALG3-congenital disorder of glycosylation. Also called: CARBOHYDRATE-DEFICIENT GLYCOPROTEIN SYNDROME, TYPE IV; CDGS, TYPE IV; CONGENITAL DISORDER OF GLYCOSYLATION, TYPE Id; CDG Id; ALG3-CDG. Identifiers: Orphanet 79321, MedGen C1832736, MONDO:0010998, OMIM 601110.

Allele frequency attached by ClinVar (database versions not stated): TOPMed below 0.00001; gnomAD 0.00001.
gnomAD v4.1: 2 of 1,613,678 alleles (0.00012%); highest among the groups gnomAD compares: African/African-American, 0.0027%; no homozygotes.

Submission:

Labcorp Genetics (formerly Invitae), Labcorp
Classification: Uncertain significance for ALG3-congenital disorder of glycosylation. Last evaluated: 2020-11-04. Review status: criteria provided, single submitter. Criteria: Invitae Variant Classification Sherloc (09022015). Collection method: clinical testing. Allele origin: germline.
Comment: In summary, the available evidence is currently insufficient to determine the role of this variant in disease. Therefore, it has been classified as a Variant of Uncertain Significance. Algorithms developed to predict the effect of missense changes on protein structure and function (SIFT, PolyPhen-2, Align-GVGD) all suggest that this variant is likely to be tolerated, but these predictions have not been confirmed by published functional studies and their clinical significance is uncertain. This variant has not been reported in the literature in individuals with ALG3-related conditions. This variant is not present in population databases (ExAC no frequency). This sequence change replaces arginine with lysine at codon 326 of the ALG3 protein (p.Arg326Lys). The arginine residue is moderately conserved and there is a small physicochemical difference between arginine and lysine.